The following is an entry in ClinVar:

NM_080680.3(COL11A2):c.2214+88G>C

Gene: COL11A2 (collagen type XI alpha 2 chain; minus strand). Cytogenetic location: 6p21.32.
Variant type: single nucleotide variant.
Coding change: c.2214+88G>C on transcript NM_080680.3 (MANE Select); 88 bases into the intron after coding-DNA position 2214, G replaced by C.
Molecular consequence: intron variant.
Genome position (GRCh38, 1-based): chr6:33,176,171, C>G on the plus strand (G>C on the coding strand, the complement: COL11A2 is on the minus strand). VCF-style: chr6-33176171-C-G. GRCh37 (hg19) VCF-style: chr6-33143948-C-G.
Other names: NC_000006.11:g.33143948C>G; c.1893+88G>C (NM_080679.3); c.1956+88G>C (NM_080681.3).
Identifiers: ClinVar variation 674768 (VCV000674768.2), dbSNP rs2254287, ClinGen allele CA12232212.

ClinVar aggregate classification (germline): Benign (1 of 4 stars; one submission).

Allele frequency attached by ClinVar (database versions not stated): TOPMed 0.47711; 1000 Genomes Project 30x 0.54638; 1000 Genomes Project 0.54772.
gnomAD v4.1: 694,292 of 1,602,926 alleles (43%); highest among the groups gnomAD compares: East Asian, 75%; 155,517 homozygotes.

Submissions (2):

GeneDx
Classification: Benign. Last evaluated: 2018-06-14. Review status: criteria provided, single submitter. Criteria: GeneDx Variant Classification (06012015). Collection method: clinical testing. Allele origin: germline. Affected: yes.
Comment: This variant is considered likely benign or benign based on one or more of the following criteria: it is a conservative change, it occurs at a poorly conserved position in the protein, it is predicted to be benign by multiple in silico algorithms, and/or has population frequency not consistent with disease.

Dr. Peter K. Rogan Lab, Western University
No classification provided (evidence only). Condition: Hepatocellular carcinoma. Review status: no classification provided. Collection method: in vitro. Allele origin: not applicable. Functional consequence: retained intron. Not counted in ClinVar's aggregate classification.